The following is an entry in ClinVar:

ClinVar aggregate classification (germline): Uncertain significance (1 of 4 stars; one submission).

Conditions:
Glycogen storage disease, type II (IOPD). Also called: CARDIOMEGALIA GLYCOGENICA DIFFUSA; GLYCOGENOSIS, GENERALIZED, CARDIAC FORM; GSD II; Glycogen storage disease type 2; Acid maltase deficiency disease; Aglucosidase alfa. Identifiers: Orphanet 365, MedGen C0017921, MONDO:0009290, OMIM 232300.

Submissions (2):

Genomenon, Inc
Classification: Uncertain significance for Glycogen storage disease, type II. Last evaluated: 2026-07-01. Review status: criteria provided, single submitter. Criteria: Genomenon Sequence Variant Interpretation Standards - Updated. Collection method: curation. Allele origin: germline. Affected: yes.
Comment: GAA c.1326+5G>A is an intronic variant located in the donor splice region of intron 8. This variant has been observed in at least one proband with a GAA-related disorder in the compound heterozygous and/or homozygous state (PMID:23463700;22644586). It is absent or not present at a significant frequency in gnomAD. In silico models predict that this variant is possibly or probably damaging. In conclusion, we classify GAA c.1326+5G>A as a variant of uncertain significance.

Dr. Peter K. Rogan Lab, Western University
No classification provided (evidence only). Condition: Ovarian serous cystadenocarcinoma. Review status: no classification provided. Collection method: in vitro. Allele origin: not applicable. Functional consequence: retained intron. Not counted in ClinVar's aggregate classification.

Literature cited by the submitters: PubMed 23463700 (cited by Genomenon, Inc); PubMed 22644586 (cited by Genomenon, Inc).

NM_000152.5(GAA):c.1326+5G>A

Gene: GAA (alpha glucosidase; plus strand). Cytogenetic location: 17q25.3.
Variant type: single nucleotide variant.
Coding change: c.1326+5G>A on transcript NM_000152.5 (MANE Select); 5 bases into the intron after coding-DNA position 1326, G replaced by A.
Molecular consequence: intron variant.
Genome position (GRCh38, 1-based): chr17:80,108,833, G>A. VCF-style: chr17-80108833-G-A. GRCh37 (hg19) VCF-style: chr17-78082632-G-A.
Other names: NC_000017.10:g.78082632G>A; c.1326+5G>A (NM_001406741.1, NM_001406742.1, NM_001079803.3 and 1 more transcripts).
Identifiers: ClinVar variation 4428512 (VCV004428512.2).